The following is an entry in ClinVar:

ClinVar aggregate classification (germline): Uncertain significance (1 of 4 stars; one submission).

Allele frequency attached by ClinVar (database versions not stated): gnomAD 0.00001.
gnomAD v4.1: 2 of 1,612,880 alleles (0.00012%); highest among the groups gnomAD compares: African/African-American, 0.0027%; no homozygotes.

Submission:

Labcorp Genetics (formerly Invitae), Labcorp
Classification: Uncertain significance. Last evaluated: 2021-04-11. Review status: criteria provided, single submitter. Criteria: Invitae Variant Classification Sherloc (09022015). Collection method: clinical testing. Allele origin: germline.
Comment: In summary, the available evidence is currently insufficient to determine the role of this variant in disease. Therefore, it has been classified as a Variant of Uncertain Significance. Algorithms developed to predict the effect of missense changes on protein structure and function (SIFT, PolyPhen-2, Align-GVGD) all suggest that this variant is likely to be tolerated, but these predictions have not been confirmed by published functional studies and their clinical significance is uncertain. This variant has not been reported in the literature in individuals with ADGRV1-related conditions. This variant is not present in population databases (ExAC no frequency). This sequence change replaces threonine with alanine at codon 5911 of the ADGRV1 protein (p.Thr5911Ala). The threonine residue is weakly conserved and there is a small physicochemical difference between threonine and alanine.

NM_032119.4(ADGRV1):c.17731A>G (p.Thr5911Ala)

Gene: ADGRV1 (adhesion G protein-coupled receptor V1; plus strand). Cytogenetic location: 5q14.3.
Variant type: single nucleotide variant.
Coding change: c.17731A>G on transcript NM_032119.4 (MANE Select); coding-DNA position 17731, A replaced by G.
Protein change: p.Thr5911Ala; replaces threonine 5911 with alanine.
Molecular consequence: missense variant. On other transcripts: non-coding transcript variant (1).
Genome position (GRCh38, 1-based): chr5:90,855,877, A>G. VCF-style: chr5-90855877-A-G. GRCh37 (hg19) VCF-style: chr5-90151694-A-G.
Other names: short protein forms T5911A.
Identifiers: ClinVar variation 1463917 (VCV001463917.6), dbSNP rs996597135, ClinGen allele CA122810785.